The following is an entry in ClinVar:

ClinVar aggregate classification (germline): Uncertain significance (1 of 4 stars; one submission).

Conditions:
Muscular dystrophy-dystroglycanopathy type B6 (MDDGB6). Also called: MUSCULAR DYSTROPHY-DYSTROGLYCANOPATHY (CONGENITAL WITH IMPAIRED INTELLECTUAL DEVELOPMENT), TYPE B, 6; MUSCULAR DYSTROPHY, CONGENITAL, LARGE-RELATED; MUSCULAR DYSTROPHY, CONGENITAL, TYPE 1D. Identifiers: MedGen C1837229, MONDO:0012138, OMIM 608840.

Allele frequency attached by ClinVar (database versions not stated): gnomAD 0.00001 and 0.00002; gnomAD exomes 0.00001 and 0.00002; TOPMed 0.00001; ExAC 0.00002; 1000 Genomes Project 0.00020; 1000 Genomes Project 30x 0.00031.

Submission:

Labcorp Genetics (formerly Invitae), Labcorp
Classification: Uncertain significance for Muscular dystrophy-dystroglycanopathy type B6. Last evaluated: 2021-08-27. Review status: criteria provided, single submitter. Criteria: Invitae Variant Classification Sherloc (09022015). Collection method: clinical testing. Allele origin: germline.
Comment: This sequence change replaces valine with methionine at codon 529 of the LARGE1 protein (p.Val529Met). The valine residue is highly conserved and there is a small physicochemical difference between valine and methionine. This variant is present in population databases (rs146923365, ExAC 0.009%). This variant has not been reported in the literature in individuals affected with LARGE1-related conditions. Algorithms developed to predict the effect of missense changes on protein structure and function are either unavailable or do not agree on the potential impact of this missense change (SIFT: "Deleterious"; PolyPhen-2: "Probably Damaging"; Align-GVGD: "Class C0"). In summary, the available evidence is currently insufficient to determine the role of this variant in disease. Therefore, it has been classified as a Variant of Uncertain Significance.

NM_133642.5(LARGE1):c.1585G>A (p.Val529Met)

Gene: LARGE1 (LARGE xylosyl- and glucuronyltransferase 1; minus strand). Cytogenetic location: 22q12.3.
Variant type: single nucleotide variant.
Coding change: c.1585G>A on transcript NM_133642.5 (MANE Select); coding-DNA position 1585, G replaced by A.
Protein change: p.Val529Met; replaces valine 529 with methionine.
Molecular consequence: missense variant.
Genome position (GRCh38, 1-based): chr22:33,304,374, C>T on the plus strand (G>A on the coding strand, the complement: LARGE1 is on the minus strand). VCF-style: chr22-33304374-C-T. GRCh37 (hg19) VCF-style: chr22-33700360-C-T.
Other names: c.1585G>A, p.Val529Met (NM_001362949.2, NM_001362951.2, NM_001362953.2 and 6 more transcripts); c.1429G>A, p.Val477Met (NM_001378629.1); c.982G>A, p.Val328Met (NM_001378630.1); c.826G>A, p.Val276Met (NM_001378631.1); short protein forms V328M, V477M, V276M, V529M.
Identifiers: ClinVar variation 1040571 (VCV001040571.6), dbSNP rs146923365, ClinGen allele CA10202703.